The following is an entry in ClinVar:

ClinVar aggregate classification (germline): Pathogenic (1 of 4 stars; one submission).

Submission:

Labcorp Genetics (formerly Invitae), Labcorp
Classification: Pathogenic. Last evaluated: 2025-09-12. Review status: criteria provided, single submitter. Criteria: Invitae Variant Classification Sherloc (09022015). Collection method: clinical testing. Allele origin: germline.
Comment: This sequence change creates a premature translational stop signal (p.Gln336*) in the RAI1 gene. It is expected to result in an absent or disrupted protein product. Loss-of-function variants in RAI1 are known to be pathogenic (PMID: 21857958, 24715852). This variant is not present in population databases (gnomAD no frequency). This variant has not been reported in the literature in individuals affected with RAI1-related conditions. For these reasons, this variant has been classified as Pathogenic.

Literature cited by the submitters: PubMed 21857958; PubMed 24715852.

NM_030665.4(RAI1):c.1006C>T (p.Gln336Ter)

Gene: RAI1 (retinoic acid induced 1; plus strand). Cytogenetic location: 17p11.2.
Variant type: single nucleotide variant.
Coding change: c.1006C>T on transcript NM_030665.4 (MANE Select); coding-DNA position 1006, C replaced by T.
Protein change: p.Gln336Ter; replaces glutamine 336 with a stop codon.
Molecular consequence: nonsense.
Genome position (GRCh38, 1-based): chr17:17,793,954, C>T. VCF-style: chr17-17793954-C-T. GRCh37 (hg19) VCF-style: chr17-17697268-C-T.
Other names: short protein forms Q336*.
Identifiers: ClinVar variation 4726579 (VCV004726579.1).